The following is an entry in ClinVar:

NM_005559.4(LAMA1):c.2812G>A (p.Gly938Ser)

Gene: LAMA1 (laminin subunit alpha 1; minus strand). Cytogenetic location: 18p11.31.
Variant type: single nucleotide variant.
Coding change: c.2812G>A on transcript NM_005559.4 (MANE Select); coding-DNA position 2812, G replaced by A.
Protein change: p.Gly938Ser; replaces glycine 938 with serine.
Molecular consequence: missense variant.
Genome position (GRCh38, 1-based): chr18:7,016,668, C>T on the plus strand (G>A on the coding strand, the complement: LAMA1 is on the minus strand). VCF-style: chr18-7016668-C-T. GRCh37 (hg19) VCF-style: chr18-7016667-C-T.
Other names: short protein forms G938S.
Identifiers: ClinVar variation 5017102 (VCV005017102.1).

ClinVar aggregate classification (germline): Uncertain significance (1 of 4 stars; one submission).

gnomAD v4.1: 1 of 1,611,764 alleles (0.000062%); highest among the groups gnomAD compares: African/African-American, 0.0013%; no homozygotes.

Submission:

GeneDx
Classification: Uncertain significance. Last evaluated: 2026-03-25. Review status: criteria provided, single submitter. Criteria: GeneDx Variant Classification Process June 2021. Collection method: clinical testing. Allele origin: germline.
Comment: Not observed at significant frequency in large population cohorts (gnomAD); In silico analysis supports that this missense variant has a deleterious effect on protein structure/function; Has not been previously published as pathogenic or benign to our knowledge